The following is an entry in ClinVar:

ClinVar aggregate classification (germline): Uncertain significance. Review status: criteria provided, multiple submitters, no conflicts (2 of 4 stars). 2 submissions from 2 submitters: Uncertain significance (2). Last evaluated 2025-04-28.

Conditions:
Ovarian dysgenesis 8. Identifiers: MedGen C4748626, MONDO:0032590, OMIM 618187.

Submissions (2):

Ambry Genetics
Classification: Uncertain significance. Last evaluated: 2025-04-28. Review status: criteria provided, single submitter. Criteria: Ambry Variant Classification Scheme 2023. Collection method: clinical testing. Allele origin: germline.

Juno Genomics, Hangzhou Juno Genomics, Inc
Classification: Uncertain significance for Ovarian dysgenesis 8. Review status: criteria provided, single submitter. Criteria: ACMG Guidelines, 2015. Collection method: clinical testing. Allele origin: germline. Affected: yes.
Comment: Multiple lines of computational evidence support a deleterious effect on the gene or gene product (conservation, evolutionary, splicing impact, etc).;Absent from controls (or at extremely low frequency if recessive) in Genome Aggregation Database, Exome Sequencing Project, 1000 Genomes Project, or Exome Aggregation Consortium.

NM_001437.3(ESR2):c.1220A>G (p.Asn407Ser)

Gene: ESR2 (estrogen receptor 2; minus strand). Cytogenetic location: 14q23.2.
Variant type: single nucleotide variant.
Coding change: c.1220A>G on transcript NM_001437.3 (MANE Select); coding-DNA position 1220, A replaced by G.
Protein change: p.Asn407Ser; replaces asparagine 407 with serine.
Molecular consequence: missense variant. On other transcripts: non-coding transcript variant (2), intron variant (1).
Genome position (GRCh38, 1-based): chr14:64,249,551, T>C on the plus strand (A>G on the coding strand, the complement: ESR2 is on the minus strand). VCF-style: chr14-64249551-T-C. GRCh37 (hg19) VCF-style: chr14-64716269-T-C.
Other names: c.1220A>G (NM_001437.2); c.1220A>G, p.Asn407Ser (NM_001040275.1, NM_001214902.1, NM_001271876.1 and 2 more transcripts); c.952+10898A>G (NM_001271877.1); short protein forms N407S.
Identifiers: ClinVar variation 3383124 (VCV003383124.3).